The following is an entry in ClinVar:

NM_012199.5(AGO1):c.907G>A (p.Glu303Lys)

Genes: AGO1 (argonaute RISC component 1; plus strand), LOC126805695 (MED14-independent group 3 enhancer GRCh37_chr1:36359789-36360988; plus strand). Cytogenetic location: 1p34.3.
Variant type: single nucleotide variant.
Coding change: c.907G>A on transcript NM_012199.5 (MANE Select); coding-DNA position 907, G replaced by A.
Protein change: p.Glu303Lys; replaces glutamic acid 303 with lysine.
Molecular consequence: missense variant.
Genome position (GRCh38, 1-based): chr1:35,895,156, G>A. VCF-style: chr1-35895156-G-A. GRCh37 (hg19) VCF-style: chr1-36360757-G-A.
Other names: c.907G>A, p.Glu303Lys (NM_001317122.2); c.682G>A, p.Glu228Lys (NM_001317123.2); short protein forms E228K, E303K.
Identifiers: ClinVar variation 1309595 (VCV001309595.3), dbSNP rs2148712287, ClinGen allele CA339369919.
Genomic context (GRCh38, chr1:35,895,156, plus strand): 5'-CCCCTTCCTTCCCTTCTTCTGAACAGATTCCCCTTACAGCTGGAGAGTGGACAGACTGTG[G>A]AGTGCACAGTGGCACAGTATTTCAAGCAGAAATATAACCTTCAGCTCAAGTATCCCCATC-3'
Protein context (NP_036331.1, residues 293-313): PLQLESGQTV[Glu303Lys]CTVAQYFKQK

ClinVar aggregate classification (germline): Uncertain significance (1 of 4 stars; one submission).

Submission:

GeneDx
Classification: Uncertain significance. Last evaluated: 2025-10-30. Review status: criteria provided, single submitter. Criteria: GeneDx Variant Classification Process June 2021. Collection method: clinical testing. Allele origin: germline. Affected: yes.
Comment: Not observed at significant frequency in large population cohorts (gnomAD); In silico analysis supports that this missense variant has a deleterious effect on protein structure/function; Has not been previously published as pathogenic or benign to our knowledge